The following is an entry in ClinVar:

ClinVar aggregate classification (germline): Pathogenic (1 of 4 stars; one submission).

Conditions:
Neurofibromatosis, type 1 (NF1). Also called: VON RECKLINGHAUSEN DISEASE; NEUROFIBROMATOSIS, TYPE I, SOMATIC; Peripheral type neurofibromatosis; Neurofibromatosis, type I. Identifiers: Orphanet 636, MedGen C0027831, MONDO:0018975, OMIM 162200. Disease mechanism: loss of function.

Submission:

Labcorp Genetics (formerly Invitae), Labcorp
Classification: Pathogenic for Neurofibromatosis, type 1. Last evaluated: 2018-07-08. Review status: criteria provided, single submitter. Criteria: Invitae Variant Classification Sherloc (09022015). Collection method: clinical testing. Allele origin: germline.
Comment: This variant has been reported in an individual affected with neurofibromatosis type 1 (PMID: 7655472). ClinVar contains an entry for this variant (Variation ID: 527417). Loss-of-function variants in NF1 are known to be pathogenic (PMID: 10712197, 23913538). For these reasons, this variant has been classified as Pathogenic. This variant is not present in population databases (ExAC no frequency). This sequence change creates a premature translational stop signal (p.Cys2113*) in the NF1 gene. It is expected to result in an absent or disrupted protein product.

Literature cited by the submitters: PubMed 7655472; PubMed 10712197; PubMed 23913538.

NM_001042492.3(NF1):c.6402T>A (p.Cys2134Ter)

Gene: NF1 (neurofibromin 1; plus strand). Cytogenetic location: 17q11.2.
Variant type: single nucleotide variant.
Coding change: c.6402T>A on transcript NM_001042492.3 (MANE Select); coding-DNA position 6402, T replaced by A.
Protein change: p.Cys2134Ter; replaces cysteine 2134 with a stop codon.
Molecular consequence: nonsense.
Genome position (GRCh38, 1-based): chr17:31,336,889, T>A. VCF-style: chr17-31336889-T-A. GRCh37 (hg19) VCF-style: chr17-29663907-T-A.
Other names: c.6339T>A, p.Cys2113Ter (NM_000267.4); short protein forms C2113*, C2134*.
Identifiers: ClinVar variation 527417 (VCV000527417.6), dbSNP rs1555534766, ClinGen allele CA399012912.